The following is an entry in ClinVar:

ClinVar aggregate classification (germline): Uncertain significance (1 of 4 stars; one submission).

gnomAD v4.1: 1 of 1,595,524 alleles (0.000063%); highest among the groups gnomAD compares: Non-Finnish European, 0.000085%; no homozygotes.

Submission:

Athena Diagnostics
Classification: Uncertain significance. Last evaluated: 2024-06-27. Review status: criteria provided, single submitter. Criteria: Athena Diagnostics Criteria. Collection method: clinical testing. Allele origin: unknown.
Comment: Available data are insufficient to determine the clinical significance of the variant at this time. The frequency of this variant in the general population is uninformative in assessment of its pathogenicity. PolyPhen could not make a prediction for this variant. MutationTaster predicts this amino acid change may be benign.

NM_001267550.2(TTN):c.34879C>T (p.Pro11627Ser)

Gene: TTN (titin; minus strand). Cytogenetic location: 2q31.2.
Variant type: single nucleotide variant.
Coding change: c.34879C>T on transcript NM_001267550.2 (MANE Select); coding-DNA position 34879, C replaced by T.
Protein change: p.Pro11627Ser; replaces proline 11627 with serine.
Molecular consequence: missense variant. On other transcripts: intron variant (3).
Genome position (GRCh38, 1-based): chr2:178,672,458, G>A on the plus strand (C>T on the coding strand, the complement: TTN is on the minus strand). VCF-style: chr2-178672458-G-A. GRCh37 (hg19) VCF-style: chr2-179537185-G-A.
Other names: c.33757C>T, p.Pro11253Ser (NM_001256850.1); c.30976C>T, p.Pro10326Ser (NM_133378.4); c.13283-30141C>T (NM_003319.4); c.13859-30141C>T (NM_133437.4); c.13658-30141C>T (NM_133432.3); short protein forms P11253S, P10326S, P11627S.
Identifiers: ClinVar variation 3571585 (VCV003571585.1).